The following is an entry in ClinVar:

NM_003998.4(NFKB1):c.180T>C (p.Tyr60=)

Gene: NFKB1 (nuclear factor kappa B subunit 1; plus strand). Cytogenetic location: 4q24.
Variant type: single nucleotide variant.
Coding change: c.180T>C on transcript NM_003998.4 (MANE Select); coding-DNA position 180, T replaced by C.
Protein change: p.Tyr60=; no amino-acid change (tyrosine 60 retained).
Molecular consequence: synonymous variant.
Genome position (GRCh38, 1-based): chr4:102,537,878, T>C. VCF-style: chr4-102537878-T-C. GRCh37 (hg19) VCF-style: chr4-103459035-T-C.
Other names: c.177T>C, p.Tyr59= (NM_001165412.2, NM_001319226.2, NM_001382627.1); c.180T>C, p.Tyr60= (NM_001382625.1, NM_001382626.1); c.138T>C, p.Tyr46= (NM_001382628.1).
Identifiers: ClinVar variation 1534812 (VCV001534812.14), dbSNP rs1741746571, ClinGen allele CA440614564.

ClinVar aggregate classification (germline): Likely benign. Review status: criteria provided, multiple submitters, no conflicts (2 of 4 stars). 2 submissions from 2 submitters: Likely benign (2). Last evaluated 2025-10-01.

Allele frequency attached by ClinVar (database versions not stated): gnomAD exomes 0.00001.
gnomAD v4.1: 15 of 1,610,394 alleles (0.00093%); highest among the groups gnomAD compares: South Asian, 0.0011%; no homozygotes.

Submissions (2):

CeGaT Center for Human Genetics Tuebingen
Classification: Likely benign. Last evaluated: 2025-10-01. Review status: criteria provided, single submitter. Criteria: CeGaT Center For Human Genetics Tuebingen Variant Classification Criteria Version 2. Collection method: clinical testing. Allele origin: germline. Affected: yes. Observed: 1 variant allele.
Comment: NFKB1: BP4, BP7

Labcorp Genetics (formerly Invitae), Labcorp
Classification: Likely benign. Last evaluated: 2025-09-29. Review status: criteria provided, single submitter. Criteria: Invitae Variant Classification Sherloc (09022015). Collection method: clinical testing. Allele origin: germline.